The following is an entry in ClinVar:

NM_032119.4(ADGRV1):c.18435A>T (p.Gly6145=)

Gene: ADGRV1 (adhesion G protein-coupled receptor V1; plus strand). Cytogenetic location: 5q14.3.
Variant type: single nucleotide variant.
Coding change: c.18435A>T on transcript NM_032119.4 (MANE Select); coding-DNA position 18435, A replaced by T.
Protein change: p.Gly6145=; no amino-acid change (glycine 6145 retained).
Molecular consequence: synonymous variant. On other transcripts: non-coding transcript variant (1).
Genome position (GRCh38, 1-based): chr5:91,150,032, A>T. VCF-style: chr5-91150032-A-T. GRCh37 (hg19) VCF-style: chr5-90445849-A-T.
Identifiers: ClinVar variation 683065 (VCV000683065.1), dbSNP rs1488014197, ClinGen allele CA445440335.

ClinVar aggregate classification (germline): Likely benign (1 of 4 stars; one submission).

Allele frequency attached by ClinVar (database versions not stated): gnomAD exomes 0.00006.

Submission:

GeneDx
Classification: Likely benign. Last evaluated: 2018-06-11. Review status: criteria provided, single submitter. Criteria: GeneDx Variant Classification (06012015). Collection method: clinical testing. Allele origin: germline. Affected: yes.
Comment: This variant is considered likely benign or benign based on one or more of the following criteria: it is a conservative change, it occurs at a poorly conserved position in the protein, it is predicted to be benign by multiple in silico algorithms, and/or has population frequency not consistent with disease.